The following is an entry in ClinVar:

NM_002519.3(NPAT):c.129T>G (p.Asp43Glu)

Gene: NPAT (nuclear protein, coactivator of histone transcription; minus strand). Cytogenetic location: 11q22.3.
Variant type: single nucleotide variant.
Coding change: c.129T>G on transcript NM_002519.3 (MANE Select); coding-DNA position 129, T replaced by G.
Protein change: p.Asp43Glu; replaces aspartic acid 43 with glutamic acid.
Molecular consequence: missense variant.
Genome position (GRCh38, 1-based): chr11:108,197,329, A>C on the plus strand (T>G on the coding strand, the complement: NPAT is on the minus strand). VCF-style: chr11-108197329-A-C. GRCh37 (hg19) VCF-style: chr11-108068056-A-C.
Other names: c.129T>G, p.Asp43Glu (NM_001321307.1); short protein forms D43E.
Identifiers: ClinVar variation 3407230 (VCV003407230.1).

ClinVar aggregate classification (germline): Uncertain significance (1 of 4 stars; one submission).

gnomAD v4.1: 1 of 1,610,134 alleles (0.000062%); highest among the groups gnomAD compares: East Asian, 0.0022%; no homozygotes.

Submission:

Ambry Genetics
Classification: Uncertain significance. Last evaluated: 2024-10-01. Review status: criteria provided, single submitter. Criteria: Ambry Variant Classification Scheme 2023. Collection method: clinical testing. Allele origin: germline.
Comment: The p.D43E variant (also known as c.129T>G), located in coding exon 2 of the NPAT gene, results from a T to G substitution at nucleotide position 129. The aspartic acid at codon 43 is replaced by glutamic acid, an amino acid with highly similar properties. This amino acid position is conserved. In addition, this alteration is predicted to be tolerated by in silico analysis. Based on the available evidence, the clinical significance of this variant remains unclear.